The following is an entry in ClinVar:

NM_004006.3(DMD):c.7538A>C (p.Gln2513Pro)

Gene: DMD (dystrophin; minus strand). Cytogenetic location: Xp21.1.
Variant type: single nucleotide variant.
Coding change: c.7538A>C on transcript NM_004006.3 (MANE Select); coding-DNA position 7538, A replaced by C.
Protein change: p.Gln2513Pro; replaces glutamine 2513 with proline.
Molecular consequence: missense variant.
Genome position (GRCh38, 1-based): chrX:31,773,964, T>G on the plus strand (A>C on the coding strand, the complement: DMD is on the minus strand). VCF-style: chrX-31773964-T-G. GRCh37 (hg19) VCF-style: chrX-31792081-T-G.
Other names: c.7514A>C, p.Gln2505Pro (NM_000109.4); c.7526A>C, p.Gln2509Pro (NM_004009.3); c.7169A>C, p.Gln2390Pro (NM_004010.3); c.3515A>C, p.Gln1172Pro (NM_004011.4); c.3506A>C, p.Gln1169Pro (NM_004012.4); c.158A>C, p.Gln53Pro (NM_004013.3, NM_004020.4, NM_004021.3 and 2 more transcripts); short protein forms Q2513P, Q2505P, Q1169P, Q2390P, Q1172P, Q2509P, Q53P.
Identifiers: ClinVar variation 567722 (VCV000567722.9), dbSNP rs1569386546, ClinGen allele CA412658597.
Genomic context (GRCh38, chrX:31,773,964, plus strand): 5'-GAAAATCTTCATTTTAAAGAAAAACTTCTGCCAACTTTTATCATTTTTTCTCATACCTTC[T>G]GCTTGATGATCATCTCGTTGATATCCTCAAGGTCACCCACCATCACCCTCTGTGATTTTA-3'
Protein context (NP_003997.2, residues 2503-2523): LEDINEMIIK[Gln2513Pro]KATMQDLEQR

ClinVar aggregate classification (germline): Uncertain significance (1 of 4 stars; one submission).

Conditions:
Duchenne muscular dystrophy (DMD). Also called: Duchenne Muscular Dystrophy (DMD); MUSCULAR DYSTROPHY, PSEUDOHYPERTROPHIC PROGRESSIVE, DUCHENNE TYPE. Identifiers: Orphanet 98896, MedGen C0013264, MONDO:0010679, OMIM 310200.

Submission:

Labcorp Genetics (formerly Invitae), Labcorp
Classification: Uncertain significance for Duchenne muscular dystrophy. Last evaluated: 2018-01-07. Review status: criteria provided, single submitter. Criteria: Invitae Variant Classification Sherloc (09022015). Collection method: clinical testing. Allele origin: germline.
Comment: In summary, the available evidence is currently insufficient to determine the role of this variant in disease. Therefore, it has been classified as a Variant of Uncertain Significance. Algorithms developed to predict the effect of missense changes on protein structure and function do not agree on the potential impact of this missense change (SIFT: "Deleterious"; PolyPhen-2: "Benign"; Align-GVGD: "Class C65"). This variant has not been reported in the literature in individuals with DMD-related disease. This variant is not present in population databases (ExAC no frequency). This sequence change replaces glutamine with proline at codon 2513 of the DMD protein (p.Gln2513Pro). The glutamine residue is highly conserved and there is a moderate physicochemical difference between glutamine and proline.